The following is an entry in ClinVar:

NM_001184.4(ATR):c.3637A>G (p.Ser1213Gly)

Gene: ATR (ATR checkpoint kinase; minus strand). Cytogenetic location: 3q23.
Variant type: single nucleotide variant.
Coding change: c.3637A>G on transcript NM_001184.4 (MANE Select); coding-DNA position 3637, A replaced by G.
Protein change: p.Ser1213Gly; replaces serine 1213 with glycine.
Molecular consequence: missense variant.
Genome position (GRCh38, 1-based): chr3:142,538,570, T>C on the plus strand (A>G on the coding strand, the complement: ATR is on the minus strand). VCF-style: chr3-142538570-T-C. GRCh37 (hg19) VCF-style: chr3-142257412-T-C.
Other names: c.3445A>G, p.Ser1149Gly (NM_001354579.2); short protein forms S1213G, S1149G.
Identifiers: ClinVar variation 813582 (VCV000813582.7), dbSNP rs34766606, ClinGen allele CA2650047.
Genomic context (GRCh38, chr3:142,538,570, plus strand): 5'-TAGCTGCAGTTTCTTTAGGCTGGATGTGTATAAGAGGTAACAAAGCTACTATTACATGAC[T>C]GAGAAGGGAGCCCAGACAAGCATGATCCAGGCAGCGAACAAAGCAGTCCCAAGCTCTATG-3'
Protein context (NP_001175.2, residues 1203-1223): LDHACLGSLL[Ser1213Gly]HVIVALLPLI

ClinVar aggregate classification (germline): Uncertain significance. Review status: criteria provided, single submitter (1 of 4 stars). 2 submissions from 2 submitters: Uncertain significance (1). 1 of the submissions does not count toward it. Last evaluated 2025-12-03.

Conditions:
Microcephaly. Also called: Microcephaly (disease). Identifiers: MedGen C4551563, MONDO:0001149, HP:0000252.

Allele frequency attached by ClinVar (database versions not stated): gnomAD 0.00001; gnomAD exomes 0.00001 and 0.00002; ExAC 0.00002; TOPMed 0.00002; 1000 Genomes Project 30x 0.00016; 1000 Genomes Project 0.00020.
gnomAD v4.1: 20 of 1,613,600 alleles (0.0012%); highest among the groups gnomAD compares: East Asian, 0.04%; no homozygotes.

Submissions (2):

Labcorp Genetics (formerly Invitae), Labcorp
Classification: Uncertain significance. Last evaluated: 2025-12-03. Review status: criteria provided, single submitter. Criteria: Invitae Variant Classification Sherloc (09022015). Collection method: clinical testing. Allele origin: germline.
Comment: This sequence change replaces serine, which is neutral and polar, with glycine, which is neutral and non-polar, at codon 1213 of the ATR protein (p.Ser1213Gly). This variant is present in population databases (rs34766606, gnomAD 0.02%). This variant has not been reported in the literature in individuals affected with ATR-related conditions. ClinVar contains an entry for this variant (Variation ID: 813582). An algorithm developed to predict the effect of missense changes on protein structure and function (PolyPhen-2) suggests that this variant is likely to be disruptive. In summary, the available evidence is currently insufficient to determine the role of this variant in disease. Therefore, it has been classified as a Variant of Uncertain Significance.

Department of Pediatrics, Samsung Medical Center, Samsung Medical Center
Classification: Uncertain significance for Microcephaly. Review status: no assertion criteria provided. Criteria: ACMG Guidelines, 2015. Collection method: research. Allele origin: germline. Affected: yes. Not counted in ClinVar's aggregate classification.